The following is an entry in ClinVar:

ClinVar aggregate classification (germline): Pathogenic. Review status: criteria provided, multiple submitters, no conflicts (2 of 4 stars). 3 submissions from 3 submitters: Pathogenic (2). 1 of the submissions does not count toward it. Last evaluated 2023-06-03.

Conditions:
Hypophosphatemic rickets. Identifiers: MedGen C1704375, MeSH D063730, MONDO:0024300, HP:0004912.
Childhood hypophosphatasia. Identifiers: Orphanet 247667, Orphanet 436, MedGen C0220743, MONDO:1010168, OMIM 241510, MONDO:0009428.

Submissions (3):

Labcorp Genetics (formerly Invitae), Labcorp
Classification: Pathogenic. Last evaluated: 2023-06-03. Review status: criteria provided, single submitter. Criteria: Invitae Variant Classification Sherloc (09022015). Collection method: clinical testing. Allele origin: germline.
Comment: ClinVar contains an entry for this variant (Variation ID: 1339459). Algorithms developed to predict the effect of sequence changes on RNA splicing suggest that this variant may disrupt the consensus splice site. For these reasons, this variant has been classified as Pathogenic. Disruption of this splice site has been observed in individuals with hypophosphatemic rickets (PMID: 25031893; Invitae). This sequence change affects a donor splice site in intron 5 of the PHEX gene. It is expected to disrupt RNA splicing. Variants that disrupt the donor or acceptor splice site typically lead to a loss of protein function (PMID: 16199547), and loss-of-function variants in PHEX are known to be pathogenic (PMID: 9097956, 9106524, 19219621). This variant is not present in population databases (gnomAD no frequency).

Laboratory of Cyto-molecular Genetics, Department of Anatomy, All India Institute of Medical Sciences (AIIMS), New Delhi
Classification: Pathogenic for Hypophosphatemic rickets. Last evaluated: 2022-02-07. Review status: criteria provided, single submitter. Criteria: ACMG Guidelines, 2015. Collection method: clinical testing. Allele origin: de novo. Affected: yes. Observed: 1 variant allele.
Comment: NC_000023.10(PHEX_v001):c.663+1G>T; splice site variant at exon 5-intron 5 junction

Department of Pediatric Endocrinology, Shriners Hospitals for Children - Mexico City
No classification provided. Condition: Childhood hypophosphatasia. Review status: no classification provided. Collection method: phenotyping only. Allele origin: germline. Inheritance: X-linked dominant inheritance. Affected: yes. Observed: 2 variant alleles. Not counted in ClinVar's aggregate classification.

Literature cited by the submitters: PubMed 25031893 (cited by Labcorp Genetics (formerly Invitae), Labcorp); PubMed 16199547 (cited by Labcorp Genetics (formerly Invitae), Labcorp); PubMed 9097956 (cited by Labcorp Genetics (formerly Invitae), Labcorp); PubMed 9106524 (cited by Labcorp Genetics (formerly Invitae), Labcorp); PubMed 19219621 (cited by Labcorp Genetics (formerly Invitae), Labcorp); PubMed 35738466 (cited by Laboratory of Cyto-molecular Genetics, Department of Anatomy, All India Institute of Medical Sciences (AIIMS), New Delhi).

NM_000444.6(PHEX):c.663+1G>T

Gene: PHEX (phosphate regulating endopeptidase X-linked; plus strand). Cytogenetic location: Xp22.11.
Variant type: single nucleotide variant.
Coding change: c.663+1G>T on transcript NM_000444.6 (MANE Select); the canonical splice donor site of the intron after coding-DNA position 663, G replaced by T.
Molecular consequence: splice donor variant.
Genome position (GRCh38, 1-based): chrX:22,077,703, G>T. VCF-style: chrX-22077703-G-T. GRCh37 (hg19) VCF-style: chrX-22095821-G-T.
Other names: c.663+1G>T (NM_001282754.2).
Identifiers: ClinVar variation 1339459 (VCV001339459.10), dbSNP rs1556020845, ClinGen allele CA412571718.